The following is an entry in ClinVar:

NM_000243.3(MEFV):c.686T>G (p.Phe229Cys)

Gene: MEFV (MEFV innate immunity regulator, pyrin; minus strand). Cytogenetic location: 16p13.3.
Variant type: single nucleotide variant.
Coding change: c.686T>G on transcript NM_000243.3 (MANE Select); coding-DNA position 686, T replaced by G.
Protein change: p.Phe229Cys; replaces phenylalanine 229 with cysteine.
Molecular consequence: missense variant. On other transcripts: intron variant (1).
Genome position (GRCh38, 1-based): chr16:3,254,382, A>C on the plus strand (T>G on the coding strand, the complement: MEFV is on the minus strand). VCF-style: chr16-3254382-A-C. GRCh37 (hg19) VCF-style: chr16-3304382-A-C.
Other names: c.277+1929T>G (NM_001198536.2); short protein forms F229C.
Identifiers: ClinVar variation 934682 (VCV000934682.7), dbSNP rs1959082299, ClinGen allele CA394478460.

ClinVar aggregate classification (germline): Uncertain significance (1 of 4 stars; one submission).

Conditions:
Familial Mediterranean fever (FMF). Also called: POLYSEROSITIS, FAMILIAL PAROXYSMAL; POLYSEROSITIS, RECURRENT; Periodic peritonitis; Benign paroxysmal peritonitis. Identifiers: Orphanet 342, MedGen C0031069, MONDO:0018088, OMIM 249100. Disease mechanism: gain of function.

Submission:

Labcorp Genetics (formerly Invitae), Labcorp
Classification: Uncertain significance for Familial Mediterranean fever. Last evaluated: 2021-08-31. Review status: criteria provided, single submitter. Criteria: Invitae Variant Classification Sherloc (09022015). Collection method: clinical testing. Allele origin: germline.
Comment: This sequence change replaces phenylalanine with cysteine at codon 229 of the MEFV protein (p.Phe229Cys). The phenylalanine residue is weakly conserved and there is a large physicochemical difference between phenylalanine and cysteine. This variant is not present in population databases (ExAC no frequency). This variant has not been reported in the literature in individuals affected with MEFV-related conditions. Algorithms developed to predict the effect of missense changes on protein structure and function are either unavailable or do not agree on the potential impact of this missense change (SIFT: "Tolerated"; PolyPhen-2: "Possibly Damaging"; Align-GVGD: "Class C0"). In summary, the available evidence is currently insufficient to determine the role of this variant in disease. Therefore, it has been classified as a Variant of Uncertain Significance.